The following is an entry in ClinVar:

NM_001267550.2(TTN):c.63390_63393del (p.Phe21130fs)

Genes: TTN (titin; minus strand), TTN-AS1 (TTN antisense RNA 1; plus strand). Cytogenetic location: 2q31.2.
Variant type: Deletion.
Coding change: c.63390_63393del on transcript NM_001267550.2 (MANE Select); coding-DNA positions 63390 to 63393, 4 bases deleted (CACT; older notation c.63390_63393delCACT).
Protein change: p.Phe21130fs; shifts the reading frame from phenylalanine 21130.
Molecular consequence: frameshift variant.
Genome position (GRCh38, 1-based): chr2:178,588,014-178,588,017, AGTG deleted on the plus strand (CACT on the coding strand, the reverse complement: TTN is on the minus strand); deleting any 4 consecutive bases within chr2:178,588,014-178,588,018 gives the same sequence; the c. name uses the placement nearest the transcript's 3' end. VCF-style (leftmost placement, unchanged base first): chr2-178588013-CAGTG-C. GRCh37 (hg19) VCF-style: chr2-179452740-CAGTG-C.
Other names: c.58467_58470del, p.Phe19489fs (NM_001256850.1); c.36195_36198del, p.Phe12065fs (NM_003319.4); c.55686_55689del, p.Phe18562fs (NM_133378.4); c.36570_36573del, p.Phe12190fs (NM_133432.3); c.36771_36774del, p.Phe12257fs (NM_133437.4); short protein forms F12065fs, F12190fs, F12257fs, F18562fs, F19489fs, F21130fs.
Identifiers: ClinVar variation 2444266 (VCV002444266.1), dbSNP rs2469322121, ClinGen allele CA2580064793.

ClinVar aggregate classification (germline): Likely pathogenic (1 of 4 stars; one submission).

Conditions:
Dilated cardiomyopathy 1G (CMD1G). Identifiers: Orphanet 154, MedGen C1858763, MONDO:0011400, OMIM 604145.

Submission:

3billion
Classification: Likely pathogenic for Dilated cardiomyopathy 1G. Last evaluated: 2023-02-23. Review status: criteria provided, single submitter. Criteria: ACMG Guidelines, 2015. Collection method: clinical testing. Allele origin: unknown. Affected: yes.
Comment: The variant is not observed in the gnomAD v2.1.1 dataset. This variant was predicted to result in a loss or disruption of normal protein function through nonsense-mediated decay (NMD) or protein truncation. Multiple pathogenic variants are reported downstream of the variant. Therefore, this variant is classified as Likely pathogenic according to the recommendation of ACMG/AMP guideline.